The following is an entry in ClinVar:

ClinVar aggregate classification (germline): Pathogenic/Likely pathogenic. Review status: criteria provided, multiple submitters, no conflicts (2 of 4 stars). 2 submissions from 2 submitters: Pathogenic (1); Likely pathogenic (1). Last evaluated 2024-03-13.

Conditions:
Glucose-6-phosphate transport defect (GSD1B). Also called: GSD Ib; Glycogen Storage Disease Type Ib. Identifiers: Orphanet 364, Orphanet 79259, MedGen C0268146, MONDO:0009288, OMIM 232220.

Submissions (2):

Baylor Genetics
Classification: Likely pathogenic for Glucose-6-phosphate transport defect. Last evaluated: 2024-03-13. Review status: criteria provided, single submitter. Criteria: ACMG Guidelines, 2015. Collection method: clinical testing. Allele origin: unknown.

Labcorp Genetics (formerly Invitae), Labcorp
Classification: Pathogenic for Glucose-6-phosphate transport defect. Last evaluated: 2020-12-22. Review status: criteria provided, single submitter. Criteria: Invitae Variant Classification Sherloc (09022015). Collection method: clinical testing. Allele origin: germline.
Comment: This variant has not been reported in the literature in individuals with SLC37A4-related conditions. For these reasons, this variant has been classified as Pathogenic. This variant is not present in population databases (ExAC no frequency). This sequence change creates a premature translational stop signal (p.Phe134Valfs*57) in the SLC37A4 gene. It is expected to result in an absent or disrupted protein product. Loss-of-function variants in SLC37A4 are known to be pathogenic (PMID: 9758626, 10940311).

Literature cited by the submitters: PubMed 9758626 (cited by Labcorp Genetics (formerly Invitae), Labcorp); PubMed 10940311 (cited by Labcorp Genetics (formerly Invitae), Labcorp).

NM_001164277.2(SLC37A4):c.398dup (p.Phe134fs)

Gene: SLC37A4 (solute carrier family 37 member 4; minus strand). Cytogenetic location: 11q23.3.
Variant type: Duplication.
Coding change: c.398dup on transcript NM_001164277.2 (MANE Select); coding-DNA position 398, one base duplicated (A; older notation c.398dupA).
Protein change: p.Phe134fs; shifts the reading frame from phenylalanine 134.
Molecular consequence: frameshift variant.
Genome position (GRCh38, 1-based): chr11:119,027,856, T duplicated on the plus strand (A on the coding strand, the reverse complement: SLC37A4 is on the minus strand). VCF-style (leftmost placement, unchanged base first): chr11-119027855-C-CT. GRCh37 (hg19) VCF-style: chr11-118898565-C-CT.
Other names: c.398dup, p.Phe134fs (NM_001467.6, NM_001164278.2, NM_001164280.2); c.179dup, p.Phe61fs (NM_001164279.2); short protein forms F61fs, F134fs.
Identifiers: ClinVar variation 1453193 (VCV001453193.7), dbSNP rs2134638421, ClinGen allele CA2573146985.
Genomic context (GRCh38, chr11:119,027,855, plus strand): 5'-AGGGCCCAGCCCTCCAGCCAGGTTCATGCTGGTTGACAGGATGGCCCACCAAGTGCCAAA[C>CT]TGAGATGGCTCAAACCACTGTGGGGCAGAGGGCGACACGTAGGTGTCCAGCCTACTGCCC-3'